The following is an entry in ClinVar:

NM_152564.5(VPS13B):c.4900A>G (p.Thr1634Ala)

Gene: VPS13B (vacuolar protein sorting 13 homolog B; plus strand). Cytogenetic location: 8q22.2.
Variant type: single nucleotide variant.
Coding change: c.4900A>G on transcript NM_152564.5 (MANE Select); coding-DNA position 4900, A replaced by G.
Protein change: p.Thr1634Ala; replaces threonine 1634 with alanine.
Molecular consequence: missense variant.
Genome position (GRCh38, 1-based): chr8:99,556,604, A>G. VCF-style: chr8-99556604-A-G. GRCh37 (hg19) VCF-style: chr8-100568832-A-G.
Other names: c.4975A>G, p.Thr1659Ala (NM_017890.5); short protein forms T1659A, T1634A.
Identifiers: ClinVar variation 2894329 (VCV002894329.2), dbSNP rs1193101764, ClinGen allele CA371869614.
Genomic context (GRCh38, chr8:99,556,604, plus strand): 5'-GCACAGTGGCATCAACTAAAACCAGAGAAGGAAAGTGTCTCAGGAGGGGTGGTAACAGAG[A>G]CTGAAAGGAATTCTCAAAATCCAGCCCTTGAGTGGAATATGGCCAGCAGGTAGGAAATGA-3'
Protein context (NP_689777.3, residues 1624-1644): ESVSGGVVTE[Thr1634Ala]ERNSQNPALE

ClinVar aggregate classification (germline): Uncertain significance. Review status: criteria provided, single submitter (1 of 4 stars). 2 submissions from 2 submitters: Uncertain significance (1). 1 of the submissions does not count toward it. Last evaluated 2023-11-14.

Conditions:
VPS13B-related disorder. Also called: VPS13B-related condition.
Cohen syndrome (COH1). Also called: PEPPER SYNDROME; Cutis verticis gyrata, retinitis pigmentosa, and sensorineural deafness. Identifiers: Orphanet 193, MedGen C0265223, MONDO:0008999, OMIM 216550.

Allele frequency attached by ClinVar (database versions not stated): gnomAD exomes below 0.00001; TOPMed below 0.00001; gnomAD 0.00001.
gnomAD v4.1: 2 of 1,613,120 alleles (0.00012%); highest among the groups gnomAD compares: Non-Finnish European, 0.00017%; no homozygotes.

Submissions (2):

Labcorp Genetics (formerly Invitae), Labcorp
Classification: Uncertain significance for Cohen syndrome. Last evaluated: 2023-11-14. Review status: criteria provided, single submitter. Criteria: Invitae Variant Classification Sherloc (09022015). Collection method: clinical testing. Allele origin: germline.
Comment: This sequence change replaces threonine, which is neutral and polar, with alanine, which is neutral and non-polar, at codon 1659 of the VPS13B protein (p.Thr1659Ala). This variant is not present in population databases (gnomAD no frequency). This variant has not been reported in the literature in individuals affected with VPS13B-related conditions. Advanced modeling of protein sequence and biophysical properties (such as structural, functional, and spatial information, amino acid conservation, physicochemical variation, residue mobility, and thermodynamic stability) performed at Invitae indicates that this missense variant is not expected to disrupt VPS13B protein function with a negative predictive value of 80%. In summary, the available evidence is currently insufficient to determine the role of this variant in disease. Therefore, it has been classified as a Variant of Uncertain Significance.

PreventionGenetics, part of Exact Sciences
Classification: Uncertain significance for VPS13B-related condition. Last evaluated: 2024-07-17. Review status: no assertion criteria provided. Collection method: clinical testing. Allele origin: germline. Not counted in ClinVar's aggregate classification.
Comment: The VPS13B c.4900A>G variant is predicted to result in the amino acid substitution p.Thr1634Ala. To our knowledge, this variant has not been reported in the literature or in a large population database, indicating this variant is rare. At this time, the clinical significance of this variant is uncertain due to the absence of conclusive functional and genetic evidence.